The following is an entry in ClinVar:

NM_000051.4(ATM):c.8300T>C (p.Leu2767Pro)

Genes: ATM (ATM serine/threonine kinase; plus strand), C11orf65 (chromosome 11 open reading frame 65; minus strand). Cytogenetic location: 11q22.3.
Variant type: single nucleotide variant.
Coding change: c.8300T>C on transcript NM_000051.4 (MANE Select); coding-DNA position 8300, T replaced by C.
Protein change: p.Leu2767Pro; replaces leucine 2767 with proline.
Molecular consequence: missense variant. On other transcripts: intron variant (2).
Genome position (GRCh38, 1-based): chr11:108,343,253, T>C. VCF-style: chr11-108343253-T-C. GRCh37 (hg19) VCF-style: chr11-108213980-T-C.
Other names: NM_000051.4(ATM):c.8300T>C; p.Leu2767Pro; c.8300T>C, p.Leu2767Pro (NM_001351834.2); c.641-34182A>G (NM_001330368.2); c.695-7961A>G (NM_001351110.2); short protein forms L2767P.
Identifiers: ClinVar variation 1023669 (VCV001023669.10), dbSNP rs1591247825, ClinGen allele CA382516339.

ClinVar aggregate classification (germline): Likely pathogenic. Review status: reviewed by expert panel (3 of 4 stars). 2 submissions from 2 submitters: Likely pathogenic (1). 1 of the submissions does not count toward it. Last evaluated 2025-06-11.

Conditions:
ATM-related cancer predisposition. Also called: ATM-related cancer susceptibility. Identifiers: MedGen CN377759, MONDO:0700270.
Ataxia-telangiectasia syndrome (AT). Also called: Ataxia telangiectasia (A-T); ATAXIA-TELANGIECTASIA, COMPLEMENTATION GROUP A; ATAXIA-TELANGIECTASIA, FRESNO VARIANT; Ataxia-telangiectasia; Ataxia-telangiectasia, complementation group E; LOUIS-BAR SYNDROME. Identifiers: Orphanet 100, MedGen C0004135, MONDO:0008840, OMIM 208900.

Submissions (2):

ClinGen Hereditary Breast, Ovarian and Pancreatic Cancer Variant Curation Expert Panel, ClinGen
Classification: Likely pathogenic for ATM-related cancer predisposition. Last evaluated: 2025-06-11. Review status: reviewed by expert panel. Criteria: ClinGen HBOP ACMG Specifications ATM V1.3.0. Collection method: curation. Allele origin: germline. Inheritance: Autosomal dominant inheritance.
Comment: The c.8300T>C variant in ATM is a missense variant predicted to cause substitution of leucine by proline at amino acid 2767 (p.Leu2767Pro). This variant has been detected at least in two unrelated individuals with Ataxia-Telangiectasia (PMIDs: 22649200, 26896183). This variant is absent from gnomAD v4.1.0. The computational predictor REVEL gives a score of 0.94, which is above the threshold of 0.733, evidence that correlates with impact to ATM function. In summary, this variant meets the criteria to be classified as likely pathogenic for autosomal dominant ATM-related cancer predisposition and autosomal recessive Ataxia-Telangiectasia based on the ACMG/AMP criteria applied as specified by the HBOP VCEP. (PM3_Strong, PM2_Supporting, PP3)

Labcorp Genetics (formerly Invitae), Labcorp
Classification: Uncertain significance for Ataxia-telangiectasia syndrome. Last evaluated: 2020-05-27. Review status: criteria provided, single submitter. Criteria: Invitae Variant Classification Sherloc (09022015). Collection method: clinical testing. Allele origin: germline. Not counted in ClinVar's aggregate classification.
Comment: This sequence change replaces leucine with proline at codon 2767 of the ATM protein (p.Leu2767Pro). The leucine residue is highly conserved and there is a moderate physicochemical difference between leucine and proline. This variant is not present in population databases (ExAC no frequency). This variant has not been reported in the literature in individuals with ATM-related conditions. Algorithms developed to predict the effect of missense changes on protein structure and function (SIFT, PolyPhen-2, Align-GVGD) all suggest that this variant is likely to be disruptive, but these predictions have not been confirmed by published functional studies and their clinical significance is uncertain. In summary, the available evidence is currently insufficient to determine the role of this variant in disease. Therefore, it has been classified as a Variant of Uncertain Significance.